The following is an entry in ClinVar:

ClinVar aggregate classification (germline): Uncertain significance (1 of 4 stars; one submission).

Submission:

GeneDx
Classification: Uncertain significance. Last evaluated: 2023-08-01. Review status: criteria provided, single submitter. Criteria: GeneDx Variant Classification Process June 2021. Collection method: clinical testing. Allele origin: germline. Affected: yes.
Comment: Not observed at significant frequency in large population cohorts (gnomAD); Has not been previously published as pathogenic or benign to our knowledge

NM_007118.4(TRIO):c.7883A>C (p.Lys2628Thr)

Gene: TRIO (trio Rho guanine nucleotide exchange factor; plus strand). Cytogenetic location: 5p15.2.
Variant type: single nucleotide variant.
Coding change: c.7883A>C on transcript NM_007118.4 (MANE Select); coding-DNA position 7883, A replaced by C.
Protein change: p.Lys2628Thr; replaces lysine 2628 with threonine.
Molecular consequence: missense variant. On other transcripts: non-coding transcript variant (1).
Genome position (GRCh38, 1-based): chr5:14,496,881, A>C. VCF-style: chr5-14496881-A-C. GRCh37 (hg19) VCF-style: chr5-14496990-A-C.
Other names: short protein forms K2628T.
Identifiers: ClinVar variation 3361693 (VCV003361693.1).